The following is an entry in ClinVar:

ClinVar aggregate classification (germline): Pathogenic. Review status: criteria provided, multiple submitters, no conflicts (2 of 4 stars). 6 submissions from 6 submitters: Pathogenic (4). 2 of the submissions do not count toward it. Last evaluated 2025-09-03.

Conditions:
Erythrocytosis, familial, 7. Also called: ERYTHROCYTOSIS, ALPHA-GLOBIN TYPE; POLYCYTHEMIA, ALPHA-GLOBIN TYPE; ERYTHROCYTOSIS 7. Identifiers: MedGen C4693823, MONDO:0054802, OMIM 617981.
Heinz body anemia. Also called: Heinz body hemolytic anemia. Identifiers: Orphanet 178330, MedGen C0700299, MONDO:0007705, OMIM 140700, HP:0005511.
Hemoglobin H disease (HBH). Also called: Hemoglobin H (HbH) Disease; HEMOGLOBIN H DISEASE, DELETIONAL; ALPHA-THALASSEMIA, HEMOGLOBIN H TYPE. Identifiers: Orphanet 93616, MedGen C3161174, MONDO:0013512, OMIM 613978. Disease mechanism: loss of function.
alpha Thalassemia. Also called: Alpha thalassemia spectrum. Identifiers: Orphanet 846, MedGen C0002312, MONDO:0011399, OMIM 604131.
Hemoglobin H disease, nondeletional. Identifiers: MedGen C3279561.

Submissions (6):

Natera, Inc.
Classification: Pathogenic for Alpha thalassemia. Last evaluated: 2025-09-03. Review status: criteria provided, single submitter. Criteria: Natera Variant Classification Schema (03/2026). Collection method: clinical testing. Allele origin: germline.
Comment: The c.1A>G variant in HBA2 is predicted to result in start loss due to disruption of the initiator methionine. This variant is expected to result in nonsense mediated decay, truncation, or a dysfunctional protein product. This variant is rare in the general population with a frequency below the threshold expected for the associated phenotype(s). This variant has been observed in one or more individuals affected with the associated recessive disease, as either homozygous or compound heterozygous with a second variant (PMID: 31933393). Given the available evidence, this variant is classified as Pathogenic.

ARUP Laboratories, Molecular Genetics and Genomics, ARUP Laboratories
Classification: Pathogenic. Last evaluated: 2025-07-10. Review status: criteria provided, single submitter. Criteria: ARUP Molecular Germline Variant Investigation Process 2024. Collection method: clinical testing. Allele origin: germline.
Comment: The HBA2 c.1A>G; p.Met1? variant (rs121909803, ClinVar Variation ID: 15645, HbVar ID: 1175) is reported in the literature in affected individuals and families where heterozygosity is consistent with mild hemolytic anemia and compound heterozygosity with Hb H disease (Chen 2020, Mesbah-Amroun 2008, Olivieri 1987). This variant is absent from the Genome Aggregation Database (v2.1.1), indicating it is not a common polymorphism. Based on available information, this variant is considered to be pathogenic. References: Link to HbVar database: Chen X et al. Diagnosis and Prenatal Diagnosis in a Chinese Family Carrying the Rare a-Thalassemia Gene HBA2: c.1A>G Mutation. Hemoglobin. 2020 Jan;44(1):51-54. PMID: 31933393. Mesbah-Amroun H et al. Molecular basis of alpha-thalassemia in Algeria. Hemoglobin. 2008;32(3):273-8. PMID: 18473243. Olivieri NF et al. An alpha-globin gene initiation codon mutation in a black family with HbH disease. Blood. 1987 Sep;70(3):729-32. PMID: 3620699.

Fulgent Genetics
Classification: Pathogenic for Heinz body anemia; alpha Thalassemia; Hemoglobin H disease; Erythrocytosis, familial, 7. Last evaluated: 2024-03-08. Review status: criteria provided, single submitter. Criteria: ACMG Guidelines, 2015. Collection method: clinical testing. Allele origin: germline.

Quest Diagnostics Nichols Institute San Juan Capistrano
Classification: Pathogenic. Last evaluated: 2020-08-04. Review status: criteria provided, single submitter. Criteria: Quest Diagnostics criteria. Collection method: clinical testing. Allele origin: unknown.
Comment: The variant disrupts the natural start codon, and is therefore predicted to result in the loss of a functional protein. Found in at least one patient with expected phenotype for this gene, and not found in general population data.

The ITHANET community portal, The Cyprus Institute of Neurology and Genetics
Classification: Pathogenic for alpha Thalassemia. Last evaluated: 2019-11-25. Review status: no assertion criteria provided. Collection method: curation. Allele origin: germline. Not counted in ClinVar's aggregate classification.

OMIM
Classification: Pathogenic for HEMOGLOBIN H DISEASE, NONDELETIONAL. Last evaluated: 1987-09-01. Review status: no assertion criteria provided. Collection method: literature only. Allele origin: germline. Not counted in ClinVar's aggregate classification.

Literature cited by the submitters: PubMed 31933393 (cited by Natera, Inc. and Quest Diagnostics Nichols Institute San Juan Capistrano); PubMed 3620699 (cited by 3 submitters); PubMed 18473243 (cited by Quest Diagnostics Nichols Institute San Juan Capistrano).

NM_000517.6(HBA2):c.1A>G (p.Met1Val)

Genes: HBA2 (hemoglobin subunit alpha 2; plus strand), LOC106804612 (hemoglobin subunit alpha 2 recombination region; plus strand). Cytogenetic location: 16p13.3.
Variant type: single nucleotide variant.
Coding change: c.1A>G on transcript NM_000517.6 (MANE Select); coding-DNA position 1, A replaced by G.
Protein change: p.Met1Val; changes the start codon (methionine 1).
Molecular consequence: missense variant, initiator codon variant.
Genome position (GRCh38, 1-based): chr16:172,913, A>G. VCF-style: chr16-172913-A-G. GRCh37 (hg19) VCF-style: chr16-222912-A-G.
Other names: Init CD ATG>GTG; c.1A>G (NM_000517.5); short protein forms M1V.
Identifiers: ClinVar variation 15645 (VCV000015645.8), dbSNP rs121909803, ClinGen allele CA125582.